The following is an entry in ClinVar:

ClinVar aggregate classification (germline): Conflicting classifications of pathogenicity. Review status: criteria provided, conflicting classifications (1 of 4 stars). 9 submissions from 9 submitters: Uncertain significance (2); Likely benign (5). 2 of the submissions do not count toward it. Last evaluated 2026-01-11.

Conditions:
Cardiovascular phenotype. Identifiers: MedGen CN230736.
Arrhythmogenic right ventricular dysplasia 11. Also called: ARRHYTHMOGENIC RIGHT VENTRICULAR DYSPLASIA, FAMILIAL, 11; Arrhythmogenic right ventricular dysplasia 11 with mild palmoplantar keratoderma and woolly hair; Arrhythmogenic Right Ventricular Dysplasia/Cardiomyopathy11. Identifiers: MedGen C1864850, MONDO:0012506, OMIM 610476.
Cardiomyopathy (CMYO). Also called: Cardiomyopathies. Identifiers: Orphanet 167848, MedGen C0878544, MONDO:0004994, HP:0001638. Inheritance: Various modes of inheritance.

Allele frequency attached by ClinVar (database versions not stated): gnomAD 0.00034 and 0.00035; ExAC 0.00018; 1000 Genomes Project 30x 0.00031; 1000 Genomes Project 0.00040; TOPMed 0.00043; gnomAD exomes 0.00015; ESP Exome Variant Server 0.00046.
gnomAD v4.1: 181 of 1,613,972 alleles (0.011%); highest among the groups gnomAD compares: African/African-American, 0.14%; no homozygotes.

Submissions (9):

Labcorp Genetics (formerly Invitae), Labcorp
Classification: Likely benign for Arrhythmogenic right ventricular dysplasia 11. Last evaluated: 2026-01-11. Review status: criteria provided, single submitter. Criteria: Invitae Variant Classification Sherloc (09022015). Collection method: clinical testing. Allele origin: germline.

Women's Health and Genetics/Laboratory Corporation of America, LabCorp
Classification: Likely benign. Last evaluated: 2021-11-29. Review status: criteria provided, single submitter. Criteria: LabCorp Variant Classification Summary - May 2015. Collection method: clinical testing. Allele origin: germline.

Color Diagnostics, LLC DBA Color Health
Classification: Likely benign for Cardiomyopathy. Last evaluated: 2020-03-18. Review status: criteria provided, single submitter. Criteria: ACMG Guidelines, 2015. Collection method: clinical testing. Allele origin: germline.

CHEO Genetics Diagnostic Laboratory, Children's Hospital of Eastern Ontario
Classification: Likely benign for Cardiomyopathy. Last evaluated: 2019-07-08. Review status: criteria provided, single submitter. Criteria: ACMG Guidelines, 2015. Collection method: clinical testing. Allele origin: germline.

Ambry Genetics
Classification: Likely benign for Cardiovascular phenotype. Last evaluated: 2019-01-31. Review status: criteria provided, single submitter. Criteria: Ambry Variant Classification Scheme 2023. Collection method: clinical testing. Allele origin: germline.

GeneDx
Classification: Uncertain significance. Last evaluated: 2014-12-19. Review status: criteria provided, single submitter. Criteria: GeneDx Variant Classification (06012015). Collection method: clinical testing. Allele origin: germline. Affected: yes.
Comment: p.Ala592Val (GCG>GTG): c.1775 C>T in exon 12 of the DSC2 gene (NM_024422.3). The Ala592Val variant in the DSC2 gene has been reported in one patient with dilated cardiomyopathy (DCM) and it was classified as a variant of unknown significance (Elliott P et al., 2010). Ala592Val results in a conservative amino acid substitution of one non-polar amino acid with another at a position that is not well conserved across species. In silico analysis predicts Ala592Val is benign to the protein structure/function. The NHLBI Exome Sequencing Project and 1,000 Genomes project identified the Ala592Val variant with a frequency of 0.1-0.4% in individuals of African American ancestry. Kapplinger et al. also reported Ala592Val in 1/427 healthy control subjects. However, mutations in a nearby codon (Ile603Thr, Ile603Leu) have been reported in association with ARVC, supporting the functional importance of this region of the protein. With the clinical and molecular information available at this time, we cannot definitively determine if Ala592Val is a disease-causing mutation or a rare benign variant. The variant is found in ARVC panel(s).

Laboratory for Molecular Medicine, Mass General Brigham Personalized Medicine
Classification: Uncertain significance. Last evaluated: 2014-07-03. Review status: criteria provided, single submitter. Criteria: LMM Criteria. Collection method: clinical testing. Allele origin: germline. Observed: 1 variant allele.
Comment: The Ala592Val variant in DSC2 has been reported in 1 adult with DCM (Elliott 201 0). However, it has also been identified in 1 adult healthy control (Kapplinger 2010) and in 0.1% (6/4406) of African American chromosomes screened by the NHLBI Exome Sequencing Project (dbSNP rs140232809) . Computational prediction tools and conservation analysis suggest that this var iant may not impact the protein, though this information is not predictive enoug h to rule out pathogenicity. In summary, the clinical significance of the Ala592 Val variant is uncertain.

Clinical Genetics, Academic Medical Center
Classification: Likely benign. Review status: no assertion criteria provided. Collection method: clinical testing. Allele origin: germline. Affected: yes. Study: VKGL Data-share Consensus. Not counted in ClinVar's aggregate classification.

Genome Diagnostics Laboratory, University Medical Center Utrecht
Classification: Likely benign. Review status: no assertion criteria provided. Collection method: clinical testing. Allele origin: germline. Affected: yes. Study: VKGL Data-share Consensus. Not counted in ClinVar's aggregate classification.

Literature cited by the submitters: PubMed 20716751 (cited by 3 submitters); PubMed 21636032 (cited by Women's Health and Genetics/Laboratory Corporation of America, LabCorp and Ambry Genetics); PubMed 29802319 (cited by Ambry Genetics).

NM_024422.6(DSC2):c.1775C>T (p.Ala592Val)

Gene: DSC2 (desmocollin 2; minus strand). Cytogenetic location: 18q12.1.
Variant type: single nucleotide variant.
Coding change: c.1775C>T on transcript NM_024422.6 (MANE Select); coding-DNA position 1775, C replaced by T.
Protein change: p.Ala592Val; replaces alanine 592 with valine.
Molecular consequence: missense variant.
Genome position (GRCh38, 1-based): chr18:31,074,796, G>A on the plus strand (C>T on the coding strand, the complement: DSC2 is on the minus strand). VCF-style: chr18-31074796-G-A. GRCh37 (hg19) VCF-style: chr18-28654762-G-A.
Other names: p.A592V:GCG>GTG; c.1775C>T, p.Ala592Val (NM_004949.5); short protein forms A592V.
Identifiers: ClinVar variation 163184 (VCV000163184.27), dbSNP rs140232809, ClinGen allele CA022555.